The following is an entry in ClinVar:

NM_018100.4(EFHC1):c.1622C>T (p.Pro541Leu)

Gene: EFHC1 (EF-hand domain containing 1; plus strand). Cytogenetic location: 6p12.2.
Variant type: single nucleotide variant.
Coding change: c.1622C>T on transcript NM_018100.4 (MANE Select); coding-DNA position 1622, C replaced by T.
Protein change: p.Pro541Leu; replaces proline 541 with leucine.
Molecular consequence: missense variant. On other transcripts: non-coding transcript variant (1).
Genome position (GRCh38, 1-based): chr6:52,479,769, C>T. VCF-style: chr6-52479769-C-T. GRCh37 (hg19) VCF-style: chr6-52344567-C-T.
Other names: c.1565C>T, p.Pro522Leu (NM_001172420.2); short protein forms P522L, P541L.
Identifiers: ClinVar variation 4881154 (VCV004881154.2).

ClinVar aggregate classification (germline): Uncertain significance (1 of 4 stars; one submission).

Submission:

Dasa
Classification: Uncertain significance. Last evaluated: 2025-09-05. Review status: criteria provided, single submitter. Criteria: DASA Assertion Criteria. Collection method: clinical testing. Allele origin: germline.
Comment: NM_018100.4(EFHC1):c.1622C>T (p.Pro541Leu) is a missense variant that results in the substitution of proline with leucine. This variant is absent from population databases. Computational prediction algorithms are consistent with a benign effect. The currently available literature and clinical evidence are not sufficient to establish a definitive association between this variant and the reported condition. Therefore, this variant is classified as a variant of uncertain significance.